The following is an entry in ClinVar:

NC_000009.12:g.35657930C>G

Gene: RMRP (RNA component of mitochondrial RNA processing endoribonuclease; minus strand). Cytogenetic location: 9p13.3.
Variant type: single nucleotide variant.
Genome position: GRCh38 VCF-style: chr9-35657930-C-G. GRCh37 (hg19) VCF-style: chr9-35657927-C-G.
Identifiers: ClinVar variation 999104 (VCV000999104.9), dbSNP rs780957606, ClinGen allele CA464450827.

ClinVar aggregate classification (germline): Uncertain significance (1 of 4 stars; one submission).

Conditions:
Anauxetic dysplasia. Identifiers: Orphanet 93347, MedGen C1846796, MONDO:0011773.

Submission:

Labcorp Genetics (formerly Invitae), Labcorp
Classification: Uncertain significance for Anauxetic dysplasia. Last evaluated: 2020-07-08. Review status: criteria provided, single submitter. Criteria: Invitae Variant Classification Sherloc (09022015). Collection method: clinical testing. Allele origin: germline.
Comment: This variant occurs in the RMRP gene, which encodes an RNA molecule that does not result in a protein product. The frequency data for this variant in the population databases is considered unreliable, as metrics indicate insufficient coverage at this position in the ExAC database. This variant has not been reported in the literature in individuals with RMRP-related conditions. Experimental studies and prediction algorithms are not available for this variant, and the functional significance of this non-coding change is currently unknown. In summary, the available evidence is currently insufficient to determine the role of this variant in disease. Therefore, it has been classified as a Variant of Uncertain Significance.